The following is an entry in ClinVar:

NM_017553.3(INO80):c.3094G>C (p.Glu1032Gln)

Genes: INO80 (INO80 complex ATPase subunit; minus strand), INO80-AS1 (INO80 antisense RNA 1; plus strand). Cytogenetic location: 15q15.1.
Variant type: single nucleotide variant.
Coding change: c.3094G>C on transcript NM_017553.3 (MANE Select); coding-DNA position 3094, G replaced by C.
Protein change: p.Glu1032Gln; replaces glutamic acid 1032 with glutamine.
Molecular consequence: missense variant. On other transcripts: non-coding transcript variant (1).
Genome position (GRCh38, 1-based): chr15:41,021,080, C>G on the plus strand (G>C on the coding strand, the complement: INO80 is on the minus strand). VCF-style: chr15-41021080-C-G. GRCh37 (hg19) VCF-style: chr15-41313278-C-G.
Other names: short protein forms E1032Q.
Identifiers: ClinVar variation 3765738 (VCV003765738.1).
Genomic context (GRCh38, chr15:41,021,080, plus strand): 5'-TCAACAAACACTGCTTGGCTGCCAGACTCCCTCCTTCCTTCAGAACTCGCCTTTCATATT[C>G]TGCACTTCGGTCATTGCAGTAAGAATCCAATGGCACTGCGGTAACCTGCAGTTAAAGATT-3'
Protein context (NP_060023.1, residues 1022-1042): LDSYCNDRSA[Glu1032Gln]YERRVLKEGG

ClinVar aggregate classification (germline): Uncertain significance (1 of 4 stars; one submission).

Submission:

Greenwood Genetic Center Diagnostic Laboratories, Greenwood Genetic Center
Classification: Uncertain significance. Last evaluated: 2024-10-31. Review status: criteria provided, single submitter. Criteria: ACMG Guidelines, 2015. Collection method: clinical testing. Allele origin: germline. Affected: yes.
Comment: Gene of Uncertain Significance